The following is an entry in ClinVar:

ClinVar aggregate classification (germline): Likely pathogenic (1 of 4 stars; one submission).

Conditions:
Glycine encephalopathy. Also called: Nonketotic hyperglycinemia; Non-ketotic hyperglycinemia. Identifiers: Orphanet 407, MedGen C0751748, MONDO:0011612, HP:0008288.

Allele frequency attached by ClinVar (database versions not stated): gnomAD exomes 0.00001.
gnomAD v4.1: 11 of 1,598,608 alleles (0.00069%); highest among the groups gnomAD compares: Non-Finnish European, 0.00094%; no homozygotes.

Submission:

Labcorp Genetics (formerly Invitae), Labcorp
Classification: Likely pathogenic for Glycine encephalopathy. Last evaluated: 2023-10-20. Review status: criteria provided, single submitter. Criteria: Invitae Variant Classification Sherloc (09022015). Collection method: clinical testing. Allele origin: germline.
Comment: This sequence change affects an acceptor splice site in intron 21 of the GLDC gene. It is expected to disrupt RNA splicing. Variants that disrupt the donor or acceptor splice site typically lead to a loss of protein function (PMID: 16199547), and loss-of-function variants in GLDC are known to be pathogenic (PMID: 16601880). This variant is not present in population databases (gnomAD no frequency). This variant has not been reported in the literature in individuals affected with GLDC-related conditions. Algorithms developed to predict the effect of sequence changes on RNA splicing suggest that this variant may disrupt the consensus splice site. In summary, the currently available evidence indicates that the variant is pathogenic, but additional data are needed to prove that conclusively. Therefore, this variant has been classified as Likely Pathogenic.

Literature cited by the submitters: PubMed 16199547; PubMed 16601880.

NM_000170.3(GLDC):c.2570-2A>G

Gene: GLDC (glycine decarboxylase; minus strand). Cytogenetic location: 9p24.1.
Variant type: single nucleotide variant.
Coding change: c.2570-2A>G on transcript NM_000170.3 (MANE Select); the canonical splice acceptor site of the intron before coding-DNA position 2570, A replaced by G.
Molecular consequence: splice acceptor variant.
Genome position (GRCh38, 1-based): chr9:6,540,148, T>C on the plus strand (A>G on the coding strand, the complement: GLDC is on the minus strand). VCF-style: chr9-6540148-T-C. GRCh37 (hg19) VCF-style: chr9-6540148-T-C.
Identifiers: ClinVar variation 2783966 (VCV002783966.3), dbSNP rs2489016003, ClinGen allele CA372883812.